The following is an entry in ClinVar:

NM_147686.4(TRAF3IP2):c.649C>A (p.Pro217Thr)

Genes: TRAF3IP2 (TRAF3 interacting protein 2; minus strand), TRAF3IP2-AS1 (TRAF3IP2 antisense RNA 1; plus strand), LOC114803478 (TRAF3IP2 eExon liver enhancer; plus strand). Cytogenetic location: 6q21.
Variant type: single nucleotide variant.
Coding change: c.649C>A on transcript NM_147686.4 (MANE Select); coding-DNA position 649, C replaced by A.
Protein change: p.Pro217Thr; replaces proline 217 with threonine.
Molecular consequence: missense variant.
Genome position (GRCh38, 1-based): chr6:111,591,438, G>T on the plus strand (C>A on the coding strand, the complement: TRAF3IP2 is on the minus strand). VCF-style: chr6-111591438-G-T. GRCh37 (hg19) VCF-style: chr6-111912641-G-T.
Other names: p.Pro217Thr; c.649C>A, p.Pro217Thr (NM_001164281.3); c.676C>A, p.Pro226Thr (NM_147200.3); short protein forms P217T, P226T.
Identifiers: ClinVar variation 474039 (VCV000474039.29), dbSNP rs139282334, ClinGen allele CA3963284.

ClinVar aggregate classification (germline): Benign/Likely benign. Review status: criteria provided, multiple submitters, no conflicts (2 of 4 stars). 3 submissions from 3 submitters: Benign (2); Likely benign (1). Last evaluated 2026-02-01.

Conditions:
Candidiasis, familial, 8 (CANDF8). Identifiers: Orphanet 1334, MedGen C3714992, MONDO:0014230, OMIM 615527.

Allele frequency attached by ClinVar (database versions not stated): gnomAD exomes 0.00596 and 0.00776; ExAC 0.00657; ESP Exome Variant Server 0.00761; 1000 Genomes Project 0.00260; 1000 Genomes Project 30x 0.00281; gnomAD 0.00535 and 0.00548; TOPMed 0.00575.
gnomAD v4.1: 11,907 of 1,581,822 alleles (0.75%); highest among the groups gnomAD compares: Non-Finnish European, 0.9%; 50 homozygotes.

Submissions (3):

Labcorp Genetics (formerly Invitae), Labcorp
Classification: Benign for Candidiasis, familial, 8. Last evaluated: 2026-02-01. Review status: criteria provided, single submitter. Criteria: Invitae Variant Classification Sherloc (09022015). Collection method: clinical testing. Allele origin: germline.

Mayo Clinic Laboratories, Mayo Clinic
Classification: Benign. Last evaluated: 2025-09-12. Review status: criteria provided, single submitter. Criteria: ACMG Guidelines, 2015. Collection method: clinical testing. Allele origin: germline. Observed: 1 variant allele.
Comment: BS1, BS2, BP4

CeGaT Center for Human Genetics Tuebingen
Classification: Likely benign. Last evaluated: 2025-09-01. Review status: criteria provided, single submitter. Criteria: CeGaT Center For Human Genetics Tuebingen Variant Classification Criteria Version 2. Collection method: clinical testing. Allele origin: germline. Affected: yes. Observed: 2 variant alleles.
Comment: TRAF3IP2: BS2